The following is an entry in ClinVar:

NM_030943.4(AMN):c.1258-8C>T

Gene: AMN (amnion associated transmembrane protein; plus strand). Cytogenetic location: 14q32.32.
Variant type: single nucleotide variant.
Coding change: c.1258-8C>T on transcript NM_030943.4 (MANE Select); 8 bases into the intron before coding-DNA position 1258, C replaced by T.
Molecular consequence: intron variant.
Genome position (GRCh38, 1-based): chr14:102,930,568, C>T. VCF-style: chr14-102930568-C-T. GRCh37 (hg19) VCF-style: chr14-103396905-C-T.
Other names: c.1258-8C>T (NM_030943.3).
Identifiers: ClinVar variation 1577749 (VCV001577749.10), dbSNP rs750073599, ClinGen allele CA7360087.

ClinVar aggregate classification (germline): Likely benign. Review status: criteria provided, single submitter (1 of 4 stars). 2 submissions from 2 submitters: Likely benign (1). 1 of the submissions does not count toward it. Last evaluated 2025-11-10.

Conditions:
Imerslund-Grasbeck syndrome. Also called: PERNICIOUS ANEMIA, JUVENILE, DUE TO SELECTIVE INTESTINAL MALABSORPTION OF VITAMIN B12, WITH PROTEINURIA; Imerslund-Gräsbeck syndrome; Megaloblastic anemia due to inborn errors of metabolism; ENTEROCYTE COBALAMIN MALABSORPTION; ENTEROCYTE INTRINSIC FACTOR RECEPTOR, DEFECT OF. Identifiers: Orphanet 35858, MedGen C4551825, MONDO:0009853.
AMN-related disorder. Also called: AMN-related condition.

Allele frequency attached by ClinVar (database versions not stated): gnomAD exomes 0.00004 and 0.00005; gnomAD 0.00007 and 0.00008; TOPMed 0.00012; ExAC 0.00013.
gnomAD v4.1: 64 of 1,566,228 alleles (0.0041%); highest among the groups gnomAD compares: African/African-American, 0.039%; no homozygotes.

Submissions (2):

Labcorp Genetics (formerly Invitae), Labcorp
Classification: Likely benign for Imerslund-Grasbeck syndrome. Last evaluated: 2025-11-10. Review status: criteria provided, single submitter. Criteria: Invitae Variant Classification Sherloc (09022015). Collection method: clinical testing. Allele origin: germline.

PreventionGenetics, part of Exact Sciences
Classification: Likely benign for AMN-related condition. Last evaluated: 2019-03-25. Review status: no assertion criteria provided. Collection method: clinical testing. Allele origin: germline. Not counted in ClinVar's aggregate classification.
Comment: This variant is classified as likely benign based on ACMG/AMP sequence variant interpretation guidelines (Richards et al. 2015 PMID: 25741868, with internal and published modifications).